The following is an entry in ClinVar:

ClinVar aggregate classification (germline): Uncertain significance (1 of 4 stars; one submission).

Allele frequency attached by ClinVar (database versions not stated): ESP Exome Variant Server 0.00015; ExAC 0.00018; gnomAD 0.00023; TOPMed 0.00030; gnomAD exomes 0.00055.
gnomAD v4.1: 829 of 1,614,060 alleles (0.051%); highest among the groups gnomAD compares: Non-Finnish European, 0.064%; no homozygotes.

Submission:

Labcorp Genetics (formerly Invitae), Labcorp
Classification: Uncertain significance. Last evaluated: 2024-11-05. Review status: criteria provided, single submitter. Criteria: Invitae Variant Classification Sherloc (09022015). Collection method: clinical testing. Allele origin: germline.
Comment: This sequence change replaces proline, which is neutral and non-polar, with leucine, which is neutral and non-polar, at codon 287 of the ADGRB2 protein (p.Pro287Leu). This variant is present in population databases (rs200632432, gnomAD 0.05%). This variant has not been reported in the literature in individuals affected with ADGRB2-related conditions. ClinVar contains an entry for this variant (Variation ID: 2052410). Experimental studies and prediction algorithms are not available or were not evaluated, and the functional significance of this variant is currently unknown. In summary, the available evidence is currently insufficient to determine the role of this variant in disease. Therefore, it has been classified as a Variant of Uncertain Significance.

NM_001364857.2(ADGRB2):c.860C>T (p.Pro287Leu)

Gene: ADGRB2 (adhesion G protein-coupled receptor B2; minus strand). Cytogenetic location: 1p35.2.
Variant type: single nucleotide variant.
Coding change: c.860C>T on transcript NM_001364857.2 (MANE Select); coding-DNA position 860, C replaced by T.
Protein change: p.Pro287Leu; replaces proline 287 with leucine.
Molecular consequence: missense variant.
Genome position (GRCh38, 1-based): chr1:31,744,710, G>A on the plus strand (C>T on the coding strand, the complement: ADGRB2 is on the minus strand). VCF-style: chr1-31744710-G-A. GRCh37 (hg19) VCF-style: chr1-32210311-G-A.
Other names: c.860C>T, p.Pro287Leu (NM_001294335.2, NM_001294336.2, NM_001703.2); short protein forms P287L.
Identifiers: ClinVar variation 2052410 (VCV002052410.3), dbSNP rs200632432, ClinGen allele CA736052.